The following is an entry in ClinVar:

ClinVar aggregate classification (germline): Likely benign (1 of 4 stars; one submission).

gnomAD v4.1: 2 of 1,588,910 alleles (0.00013%); highest among the groups gnomAD compares: East Asian, 0.0045%; no homozygotes.

Submission:

Center for Genomic Medicine, Rigshospitalet, Copenhagen University Hospital
Classification: Likely benign. Last evaluated: 2025-12-29. Review status: criteria provided, single submitter. Criteria: ACMG Guidelines, 2015. Collection method: clinical testing. Allele origin: germline.
Comment: Classification criteria: BP7, BP4

NM_000059.4(BRCA2):c.8954-37T>G

Gene: BRCA2 (BRCA2 DNA repair associated; plus strand). Cytogenetic location: 13q13.1.
Variant type: single nucleotide variant.
Coding change: c.8954-37T>G on transcript NM_000059.4 (MANE Select); 37 bases into the intron before coding-DNA position 8954, T replaced by G.
Molecular consequence: intron variant.
Genome position (GRCh38, 1-based): chr13:32,379,713, T>G. VCF-style: chr13-32379713-T-G. GRCh37 (hg19) VCF-style: chr13-32953850-T-G.
Other names: c.8954-37T>G (NM_001432077.1); c.8954-88T>G (NM_001406720.1); c.8858-37T>G (NM_001406719.1); c.4022-37T>G (NM_001406721.1); c.2537-37T>G (NM_001406722.1).
Identifiers: ClinVar variation 4539218 (VCV004539218.1).